The following is an entry in ClinVar:

ClinVar aggregate classification (germline): Uncertain significance (1 of 4 stars; one submission).

Submission:

Labcorp Genetics (formerly Invitae), Labcorp
Classification: Uncertain significance. Last evaluated: 2024-09-27. Review status: criteria provided, single submitter. Criteria: Invitae Variant Classification Sherloc (09022015). Collection method: clinical testing. Allele origin: germline.
Comment: This sequence change replaces alanine, which is neutral and non-polar, with valine, which is neutral and non-polar, at codon 1097 of the POLE protein (p.Ala1097Val). This variant is not present in population databases (gnomAD no frequency). This variant has not been reported in the literature in individuals affected with POLE-related conditions. Invitae Evidence Modeling of protein sequence and biophysical properties (such as structural, functional, and spatial information, amino acid conservation, physicochemical variation, residue mobility, and thermodynamic stability) indicates that this missense variant is not expected to disrupt POLE protein function with a negative predictive value of 80%. In summary, the available evidence is currently insufficient to determine the role of this variant in disease. Therefore, it has been classified as a Variant of Uncertain Significance.

NM_006231.4(POLE):c.3290C>T (p.Ala1097Val)

Gene: POLE (DNA polymerase epsilon, catalytic subunit; minus strand). Cytogenetic location: 12q24.33.
Variant type: single nucleotide variant.
Coding change: c.3290C>T on transcript NM_006231.4 (MANE Select); coding-DNA position 3290, C replaced by T.
Protein change: p.Ala1097Val; replaces alanine 1097 with valine.
Molecular consequence: missense variant.
Genome position (GRCh38, 1-based): chr12:132,657,956, G>A on the plus strand (C>T on the coding strand, the complement: POLE is on the minus strand). VCF-style: chr12-132657956-G-A. GRCh37 (hg19) VCF-style: chr12-133234542-G-A.
Other names: short protein forms A1097V.
Identifiers: ClinVar variation 3668041 (VCV003668041.2).
Genomic context (GRCh38, chr12:132,657,956, plus strand): 5'-GAGCTCTTGAGCCATTTCCGGAGAAAGTGCTTCCTCACCGTGGGCTCTGCTTGGAAAATG[G>A]CAAGTGGGATGGCCCTGGGTAAGGAAGACAGGCACACAGCTCAGTAACAGTGAAAATCAC-3'
Protein context (NP_006222.2, residues 1087-1107): SPVTERAIPL[Ala1097Val]IFQAEPTVRK